The following is an entry in ClinVar:

NM_206933.4(USH2A):c.12563A>G (p.Tyr4188Cys)

Gene: USH2A (usherin; minus strand). Cytogenetic location: 1q41.
Variant type: single nucleotide variant.
Coding change: c.12563A>G on transcript NM_206933.4 (MANE Select); coding-DNA position 12563, A replaced by G.
Protein change: p.Tyr4188Cys; replaces tyrosine 4188 with cysteine.
Molecular consequence: missense variant.
Genome position (GRCh38, 1-based): chr1:215,675,348, T>C on the plus strand (A>G on the coding strand, the complement: USH2A is on the minus strand). VCF-style: chr1-215675348-T-C. GRCh37 (hg19) VCF-style: chr1-215848690-T-C.
Other names: short protein forms Y4188C.
Identifiers: ClinVar variation 4535829 (VCV004535829.1).

ClinVar aggregate classification (germline): Uncertain significance (1 of 4 stars; one submission).

Submission:

Women's Health and Genetics/Laboratory Corporation of America, LabCorp
Classification: Uncertain significance. Last evaluated: 2025-09-04. Review status: criteria provided, single submitter. Criteria: LabCorp Variant Classification Summary - May 2015. Collection method: clinical testing. Allele origin: germline.
Comment: Variant summary: USH2A c.12563A>G (p.Tyr4188Cys) results in a non-conservative amino acid change in the encoded protein sequence. Algorithms developed to predict the effect of missense changes on protein structure and function all suggest that this variant is likely to be disruptive. The variant was absent in 249758 control chromosomes (gnomAD). The available data on variant occurrences in the general population are insufficient to allow any conclusion about variant significance. c.12563A>G has been observed in an individual affected with inherited retinal disease (Kerali_2022). This report does not provide unequivocal conclusions about association of the variant with Usher Syndrome. To our knowledge, no experimental evidence demonstrating an impact on protein function has been reported. The following publication has been ascertained in the context of this evaluation (PMID: 36460718). No submitters have cited clinical-significance assessments for this variant to ClinVar. Based on the evidence outlined above, the variant was classified as uncertain significance.

Literature cited by the submitters: PubMed 36460718.